The following is an entry in ClinVar:

NM_001018113.3(FANCB):c.219T>A (p.His73Gln)

Gene: FANCB (FA complementation group B; minus strand). Cytogenetic location: Xp22.2.
Variant type: single nucleotide variant.
Coding change: c.219T>A on transcript NM_001018113.3 (MANE Select); coding-DNA position 219, T replaced by A.
Protein change: p.His73Gln; replaces histidine 73 with glutamine.
Molecular consequence: missense variant. On other transcripts: non-coding transcript variant (1).
Genome position (GRCh38, 1-based): chrX:14,865,292, A>T on the plus strand (T>A on the coding strand, the complement: FANCB is on the minus strand). VCF-style: chrX-14865292-A-T. GRCh37 (hg19) VCF-style: chrX-14883414-A-T.
Other names: c.219T>A, p.His73Gln (NM_001324162.2, NM_001410764.1, NM_152633.4); short protein forms H73Q.
Identifiers: ClinVar variation 5002565 (VCV005002565.1).

ClinVar aggregate classification (germline): Uncertain significance (1 of 4 stars; one submission).

Conditions:
FANCB-related disorder. Also called: FANCB-related condition.

Submission:

PreventionGenetics, part of Exact Sciences
Classification: Uncertain significance for FANCB-related condition. Last evaluated: 2025-04-17. Review status: criteria provided, single submitter. Criteria: ACMG Guidelines, 2015. Collection method: clinical testing. Allele origin: germline.
Comment: The FANCB c.219T>A variant is predicted to result in the amino acid substitution p.His73Gln. To our knowledge, this variant has not been reported in the literature or in a large population database (gnomAD), indicating this variant is rare. At this time, the clinical significance of this variant is uncertain due to the absence of conclusive functional and genetic evidence.